The following is an entry in ClinVar:

ClinVar aggregate classification (germline): Uncertain significance (1 of 4 stars; one submission).

Conditions:
Inborn genetic diseases. Identifiers: MedGen C0950123, MeSH D030342.

Submission:

Ambry Genetics
Classification: Uncertain significance for Inborn genetic diseases. Last evaluated: 2019-10-16. Review status: criteria provided, single submitter. Criteria: Ambry Variant Classification Scheme 2023. Collection method: clinical testing. Allele origin: germline.
Comment: The p.V246E variant (also known as c.737T>A), located in coding exon 8 of the MTMR2 gene, results from a T to A substitution at nucleotide position 737. The valine at codon 246 is replaced by glutamic acid, an amino acid with dissimilar properties. This amino acid position is highly conserved in available vertebrate species. In addition, this alteration is predicted to be deleterious by in silico analysis. Since supporting evidence is limited at this time, the clinical significance of this alteration remains unclear.

NM_016156.6(MTMR2):c.737T>A (p.Val246Glu)

Gene: MTMR2 (myotubularin related protein 2; minus strand). Cytogenetic location: 11q21.
Variant type: single nucleotide variant.
Coding change: c.737T>A on transcript NM_016156.6 (MANE Select); coding-DNA position 737, T replaced by A.
Protein change: p.Val246Glu; replaces valine 246 with glutamic acid.
Molecular consequence: missense variant.
Genome position (GRCh38, 1-based): chr11:95,850,667, A>T on the plus strand (T>A on the coding strand, the complement: MTMR2 is on the minus strand). VCF-style: chr11-95850667-A-T. GRCh37 (hg19) VCF-style: chr11-95583831-A-T.
Other names: c.521T>A, p.Val174Glu (NM_001243571.2, NM_201278.3, NM_201281.3); short protein forms V174E, V246E.
Identifiers: ClinVar variation 1758608 (VCV001758608.2), dbSNP rs2496508914, ClinGen allele CA382425815.